The following is an entry in ClinVar:

ClinVar aggregate classification (germline): Pathogenic (1 of 4 stars; one submission).

Conditions:
Arrhythmogenic cardiomyopathy with wooly hair and keratoderma. Also called: Arrhythmogenic cardiomyopathy with woolly hair and keratoderma; Carvajal syndrome; Dilated cardiomyopathy with woolly hair and keratoderma; PALMOPLANTAR KERATODERMA WITH LEFT VENTRICULAR CARDIOMYOPATHY AND WOOLLY HAIR. Identifiers: Orphanet 65282, MedGen C1854063, MONDO:0011581, OMIM 605676.
Arrhythmogenic right ventricular dysplasia 8 (ARVD8). Also called: Arrhythmogenic Right Ventricular Dysplasia/Cardiomyopathy 8; ARRHYTHMOGENIC RIGHT VENTRICULAR DYSPLASIA, FAMILIAL, 8; ARRHYTHMOGENIC RIGHT VENTRICULAR CARDIOMYOPATHY 8. Identifiers: MedGen C1843896, MONDO:0011831, OMIM 607450.

Submission:

Labcorp Genetics (formerly Invitae), Labcorp
Classification: Pathogenic for Arrhythmogenic cardiomyopathy with wooly hair and keratoderma; Arrhythmogenic right ventricular dysplasia 8. Last evaluated: 2025-09-24. Review status: criteria provided, single submitter. Criteria: Invitae Variant Classification Sherloc (09022015). Collection method: clinical testing. Allele origin: germline.
Comment: This sequence change creates a premature translational stop signal (p.Asp728Argfs*10) in the DSP gene. It is expected to result in an absent or disrupted protein product. Loss-of-function variants in DSP are known to be pathogenic (PMID: 20716751, 24503780, 25227139, 30398466). This variant is not present in population databases (gnomAD no frequency). This premature translational stop signal has been observed in individual(s) with dilated cardiomyopathy (PMID: 32969603). This variant is also known as c.2179dupA (p.D728Rfs*9). ClinVar contains an entry for this variant (Variation ID: 2098314). For these reasons, this variant has been classified as Pathogenic.

Literature cited by the submitters: PubMed 20716751; PubMed 24503780; PubMed 25227139; PubMed 30398466; PubMed 32969603.

NM_004415.4(DSP):c.2181dup (p.Asp728fs)

Gene: DSP (desmoplakin; plus strand). Cytogenetic location: 6p24.3.
Variant type: Duplication.
Coding change: c.2181dup on transcript NM_004415.4 (MANE Select); coding-DNA position 2181, one base duplicated (A; older notation c.2181dupA).
Protein change: p.Asp728fs; shifts the reading frame from aspartic acid 728.
Molecular consequence: frameshift variant.
Genome position (GRCh38, 1-based): chr6:7,574,136, A duplicated; the last of 3 consecutive A bases (chr6:7,574,134-7,574,136); duplicating any one gives the same sequence. VCF-style (leftmost placement, unchanged base first): chr6-7574133-T-TA. GRCh37 (hg19) VCF-style: chr6-7574366-T-TA.
Other names: c.2181dup, p.Asp728fs (NM_001008844.3, NM_001319034.2); short protein forms D728fs.
Identifiers: ClinVar variation 2098314 (VCV002098314.4), dbSNP rs2533903322, ClinGen allele CA1139532705.